The following is an entry in ClinVar:

NM_000245.4(MET):c.635A>G (p.His212Arg)

Gene: MET (MET proto-oncogene, receptor tyrosine kinase; plus strand). Cytogenetic location: 7q31.2.
Variant type: single nucleotide variant.
Coding change: c.635A>G on transcript NM_000245.4 (MANE Select); coding-DNA position 635, A replaced by G.
Protein change: p.His212Arg; replaces histidine 212 with arginine.
Molecular consequence: missense variant. On other transcripts: intron variant (1).
Genome position (GRCh38, 1-based): chr7:116,699,719, A>G. VCF-style: chr7-116699719-A-G. GRCh37 (hg19) VCF-style: chr7-116339773-A-G.
Other names: c.635A>G, p.His212Arg (NM_001127500.3, NM_001324401.3); c.-91+27142A>G (NM_001324402.2); short protein forms H212R.
Identifiers: ClinVar variation 3660762 (VCV003660762.2).

ClinVar aggregate classification (germline): Uncertain significance (1 of 4 stars; one submission).

Conditions:
Renal cell carcinoma. Identifiers: Orphanet 217071, MedGen C0007134, MeSH D002292, MONDO:0005086, HP:0005584.

Submission:

Labcorp Genetics (formerly Invitae), Labcorp
Classification: Uncertain significance for Renal cell carcinoma. Last evaluated: 2024-07-29. Review status: criteria provided, single submitter. Criteria: Invitae Variant Classification Sherloc (09022015). Collection method: clinical testing. Allele origin: germline.
Comment: This sequence change replaces histidine, which is basic and polar, with arginine, which is basic and polar, at codon 212 of the MET protein (p.His212Arg). This variant is not present in population databases (gnomAD no frequency). This variant has not been reported in the literature in individuals affected with MET-related conditions. Advanced modeling of protein sequence and biophysical properties (such as structural, functional, and spatial information, amino acid conservation, physicochemical variation, residue mobility, and thermodynamic stability) performed at Invitae indicates that this missense variant is not expected to disrupt MET protein function with a negative predictive value of 80%. In summary, the available evidence is currently insufficient to determine the role of this variant in disease. Therefore, it has been classified as a Variant of Uncertain Significance.